The following is an entry in ClinVar:

NM_001035.3(RYR2):c.6337G>A (p.Val2113Met)

Gene: RYR2 (ryanodine receptor 2; plus strand). Cytogenetic location: 1q43.
Variant type: single nucleotide variant.
Coding change: c.6337G>A on transcript NM_001035.3 (MANE Select); coding-DNA position 6337, G replaced by A.
Protein change: p.Val2113Met; replaces valine 2113 with methionine.
Molecular consequence: missense variant.
Genome position (GRCh38, 1-based): chr1:237,627,977, G>A. VCF-style: chr1-237627977-G-A. GRCh37 (hg19) VCF-style: chr1-237791277-G-A.
Other names: p.V2113M:GTG>ATG; short protein forms V2113M.
Identifiers: ClinVar variation 43813 (VCV000043813.45), dbSNP rs186906598, ClinGen allele CA010110.

ClinVar aggregate classification (germline): Conflicting classifications of pathogenicity. Review status: criteria provided, conflicting classifications (1 of 4 stars). 15 submissions from 14 submitters: Uncertain significance (3); Likely benign (12). Last evaluated 2026-01-27.

Conditions:
RYR2-related disorder. Also called: RYR2-related condition.
Cardiovascular phenotype. Identifiers: MedGen CN230736.
Catecholaminergic polymorphic ventricular tachycardia 1. Also called: VENTRICULAR TACHYCARDIA, STRESS-INDUCED POLYMORPHIC 1; RYR2-Related Catecholaminergic Polymorphic Ventricular Tachycardia; VENTRICULAR TACHYCARDIA, CATECHOLAMINERGIC POLYMORPHIC, 1, WITH OR WITHOUT ATRIAL DYSFUNCTION AND/OR DILATED CARDIOMYOPATHY. Identifiers: Orphanet 3286, MedGen C1631597, MONDO:0011484, OMIM 604772.
Cardiomyopathy (CMYO). Also called: Cardiomyopathies. Identifiers: Orphanet 167848, MedGen C0878544, MONDO:0004994, HP:0001638. Inheritance: Various modes of inheritance.
Arrhythmogenic right ventricular dysplasia 2. Identifiers: MedGen C1832931.
Catecholaminergic polymorphic ventricular tachycardia (CVPT). Also called: Catecholamine-induced polymorphic ventricular tachycardia. Identifiers: Orphanet 3286, MedGen C5574922, MONDO:0017990.

Allele frequency attached by ClinVar (database versions not stated): 1000 Genomes Project 30x 0.00016; 1000 Genomes Project 0.00020; gnomAD exomes 0.00038; TOPMed 0.00040; ExAC 0.00043; gnomAD 0.00044 and 0.00045; ESP Exome Variant Server 0.00049.
gnomAD v4.1: 1,257 of 1,613,914 alleles (0.078%); highest among the groups gnomAD compares: Non-Finnish European, 0.099%; no homozygotes.

Submissions (15):

Labcorp Genetics (formerly Invitae), Labcorp
Classification: Likely benign for Catecholaminergic polymorphic ventricular tachycardia 1. Last evaluated: 2026-01-27. Review status: criteria provided, single submitter. Criteria: Invitae Variant Classification Sherloc (09022015). Collection method: clinical testing. Allele origin: germline.

Mayo Clinic Laboratories, Mayo Clinic
Classification: Likely benign. Last evaluated: 2025-10-22. Review status: criteria provided, single submitter. Criteria: ACMG Guidelines, 2015. Collection method: clinical testing. Allele origin: germline. Observed: 7 variant alleles.
Comment: BS1, BP5

CeGaT Center for Human Genetics Tuebingen
Classification: Likely benign. Last evaluated: 2025-05-01. Review status: criteria provided, single submitter. Criteria: CeGaT Center For Human Genetics Tuebingen Variant Classification Criteria Version 2. Collection method: clinical testing. Allele origin: germline. Affected: yes. Observed: 1 variant allele.
Comment: RYR2: BS1

Ambry Genetics
Classification: Likely benign for Cardiovascular phenotype. Last evaluated: 2025-04-14. Review status: criteria provided, single submitter. Criteria: Ambry Variant Classification Scheme 2023. Collection method: clinical testing. Allele origin: germline.

Women's Health and Genetics/Laboratory Corporation of America, LabCorp
Classification: Likely benign. Last evaluated: 2024-11-18. Review status: criteria provided, single submitter. Criteria: LabCorp Variant Classification Summary - May 2015. Collection method: clinical testing. Allele origin: germline.
Comment: Variant summary: RYR2 c.6337G>A (p.Val2113Met) results in a conservative amino acid change in the encoded protein sequence. Two of four in-silico tools predict a benign effect of the variant on protein function. The variant allele was found at a frequency of 0.00038 in 249094 control chromosomes, predominantly at a frequency of 0.00074 within the Non-Finnish European subpopulation in the gnomAD database. The observed variant frequency within Non-Finnish European control individuals in the gnomAD database is approximately 22 fold of the estimated maximal expected allele frequency for a pathogenic variant in RYR2 causing Catecholaminergic Polymorphic Ventricular Tachycardia phenotype (3.4e-05). To our knowledge, no experimental evidence demonstrating the variant's impact on protein function have been reported. ClinVar contains an entry for this variant (Variation ID: 43813). Based on the evidence outlined above, the variant was classified as likely benign.

PreventionGenetics, part of Exact Sciences
Classification: Likely benign for RYR2-related condition. Last evaluated: 2024-10-25. Review status: criteria provided, single submitter. Criteria: ACMG Guidelines, 2015. Collection method: clinical testing. Allele origin: germline.
Comment: This variant is classified as likely benign based on ACMG/AMP sequence variant interpretation guidelines (Richards et al. 2015 PMID: 25741868, with internal and published modifications).

All of Us Research Program, National Institutes of Health
Classification: Likely benign for Catecholaminergic polymorphic ventricular tachycardia. Last evaluated: 2024-09-23. Review status: criteria provided, single submitter. Criteria: ACMG Guidelines, 2015. Collection method: clinical testing. Allele origin: germline. Inheritance: Autosomal dominant inheritance. Observed: 185 variant alleles, 185 heterozygotes.
Comment: This study involves interpretation of variants in research participants for the purpose of population health screening. Participant phenotype was not available at the time of variant classification. Additional details can be found in publication PMID: 35346344, PMCID: PMC8962531

Blueprint Genetics
Classification: Likely benign. Last evaluated: 2024-07-02. Review status: criteria provided, single submitter. Criteria: ACMG Guidelines, 2015. Collection method: clinical testing. Allele origin: germline.

GeneDx
Classification: Likely benign. Last evaluated: 2023-09-14. Review status: criteria provided, single submitter. Criteria: GeneDx Variant Classification Process June 2021. Collection method: clinical testing. Allele origin: germline. Affected: yes.
Comment: See Variant Classification Assertion Criteria.

Color Diagnostics, LLC DBA Color Health
Classification: Likely benign for Cardiomyopathy. Last evaluated: 2020-04-15. Review status: criteria provided, single submitter. Criteria: ACMG Guidelines, 2015. Collection method: clinical testing. Allele origin: germline.

Illumina Laboratory Services, Illumina
Classification: Likely benign for Catecholaminergic polymorphic ventricular tachycardia 1. Last evaluated: 2017-09-07. Review status: criteria provided, single submitter. Criteria: ICSL Variant Classification Criteria 13 December 2019. Collection method: clinical testing. Allele origin: germline.
Comment: This variant was observed as part of a predisposition screen in an ostensibly healthy population. A literature search was performed for the gene, cDNA change, and amino acid change (where applicable). Publications were found based on this search. The evidence from the literature, in combination with allele frequency data from public databases where available, was sufficient to determine this variant is unlikely to cause disease. Therefore, this variant is classified as likely benign.

Illumina Laboratory Services, Illumina
Classification: Uncertain significance for Catecholaminergic polymorphic ventricular tachycardia 1. Last evaluated: 2017-09-07. Review status: criteria provided, single submitter. Criteria: ICSL Variant Classification Criteria 13 December 2019. Collection method: clinical testing. Allele origin: germline.
Comment: This variant was observed as part of a predisposition screen in an ostensibly healthy population. A literature search was performed for the gene, cDNA change, and amino acid change (where applicable). Publications were found based on this search. However, the evidence from the literature, in combination with allele frequency data from public databases where available, was not sufficient to rule this variant in or out of causing disease. Therefore, this variant is classified as a variant of unknown significance.

CHEO Genetics Diagnostic Laboratory, Children's Hospital of Eastern Ontario
Classification: Uncertain significance for Cardiomyopathy. Last evaluated: 2017-07-12. Review status: criteria provided, single submitter. Criteria: ACMG Guidelines, 2015. Collection method: clinical testing. Allele origin: germline. Study: Canadian Open Genetics Repository.

Laboratory for Molecular Medicine, Mass General Brigham Personalized Medicine
Classification: Uncertain significance. Last evaluated: 2014-06-05. Review status: criteria provided, single submitter. Criteria: LMM Criteria. Collection method: clinical testing. Allele origin: germline. Observed: 3 variant alleles.
Comment: This variant has also been identified in 6/8320 European American chromosomes b y the NHLBI Exome Sequencing Project (dbSNP r s186906598). Computational prediction tools and conservation analysis do not pr ovide strong support for or against an impact to the protein. In summary, the cl inical significance of the Val2113Met variant is uncertain.

Biesecker Lab/Clinical Genomics Section, National Institutes of Health
Classification: Likely benign for Catecholaminergic polymorphic ventricular tachycardia. Last evaluated: 2013-06-24. Review status: criteria provided, single submitter. Criteria: Ng et al. (Circ Cardiovasc Genet. 2013). Collection method: research. Allele origin: unknown. Observed: 2 variant alleles. Study: ClinSeq.
Comment: The study set was not selected for affection status in relation to any cancer. HGMD phenotype assertion is uncertain. Pathogenicity categories were based on literature curation. See Pubmed ID:23861362 for details.

Medical sequencing

Literature cited by the submitters: PubMed 19926015 (cited by Illumina Laboratory Services, Illumina and Laboratory for Molecular Medicine, Mass General Brigham Personalized Medicine); PubMed 24503780 (cited by Illumina Laboratory Services, Illumina and Laboratory for Molecular Medicine, Mass General Brigham Personalized Medicine); PubMed 22677073 (cited by Illumina Laboratory Services, Illumina and Laboratory for Molecular Medicine, Mass General Brigham Personalized Medicine); PubMed 27153395 (cited by Illumina Laboratory Services, Illumina); PubMed 27538377 (cited by Illumina Laboratory Services, Illumina); PubMed 24025405 (cited by Illumina Laboratory Services, Illumina and Laboratory for Molecular Medicine, Mass General Brigham Personalized Medicine); PubMed 25844899 (cited by Illumina Laboratory Services, Illumina).